The following is an entry in ClinVar:

NM_004456.5(EZH2):c.2233G>A (p.Glu745Lys)

Gene: EZH2 (enhancer of zeste 2 polycomb repressive complex 2 subunit; minus strand). Cytogenetic location: 7q36.1.
Variant type: single nucleotide variant.
Coding change: c.2233G>A on transcript NM_004456.5 (MANE Select); coding-DNA position 2233, G replaced by A.
Protein change: p.Glu745Lys; replaces glutamic acid 745 with lysine.
Molecular consequence: missense variant.
Genome position (GRCh38, 1-based): chr7:148,807,669, C>T on the plus strand (G>A on the coding strand, the complement: EZH2 is on the minus strand). VCF-style: chr7-148807669-C-T. GRCh37 (hg19) VCF-style: chr7-148504761-C-T.
Other names: c.2218G>A, p.Glu740Lys (NM_001203247.2); c.2191G>A, p.Glu731Lys (NM_001203248.2); c.2065G>A, p.Glu689Lys (NM_001203249.2); c.2101G>A, p.Glu701Lys (NM_152998.3); short protein forms E745K, E689K, E701K, E731K, E740K.
Identifiers: ClinVar variation 65675 (VCV000065675.14), dbSNP rs397515548, ClinGen allele CA345008.
Genomic context (GRCh38, chr7:148,807,669, plus strand): 5'-CAGCTGTTTCAGAGGAGGGGGGAGGAGGTAGCAGATGTCAAGGGATTTCCATTTCTCTTT[C>T]GATGCCGACATACTTCAGGGCATCAGCCTGGCTGTATCTGAAACAACAGGAAGGAGATGT-3'
Protein context (NP_004447.2, residues 735-751): QADALKYVGI[Glu745Lys]REMEIP

ClinVar aggregate classification (germline): Pathogenic/Likely pathogenic. Review status: criteria provided, multiple submitters, no conflicts (2 of 4 stars). 6 submissions from 6 submitters: Pathogenic (4); Likely pathogenic (1). 1 of the submissions does not count toward it. Last evaluated 2026-06-26.
ClinVar aggregate classification (oncogenicity): Likely oncogenic (1 of 4 stars; one submission).

Conditions:
EZH2-related disorder.
Weaver syndrome (WVS). Also called: Weaver Smith syndrome; Overgrowth syndrome with accelerated skeletal maturation, unusual facies, and camptodactyly. Identifiers: Orphanet 3447, MedGen C0265210, MONDO:0010193, OMIM 277590.
Neoplasm. Also called: Neoplasms; Neoplasm (disease); tumor. Identifiers: MedGen C0027651, MeSH D009369, MONDO:0005070, HP:0002664.

Submissions (7):

PreventionGenetics, part of Exact Sciences
Classification: Pathogenic for EZH2-related condition. Last evaluated: 2026-06-26. Review status: criteria provided, single submitter. Criteria: ACMG Guidelines, 2015. Collection method: clinical testing. Allele origin: germline.
Comment: The EZH2 c.2233G>A variant is predicted to result in the amino acid substitution p.Glu745Lys. This variant has been reported in three individuals with EZH2-related phenotpes; in two of the subjects, this variant was found to be de novo (Tatton-Brown et al. 2011. PubMed ID: 22190405; Al-Salem et al. 2012. PubMed ID: 23239504; Maddirevula et al. 2018. PubMed ID: 29620724, Table S6). This variant has not been reported in a large population database (gnomAD), indicating it is rare. This variant is interpreted as pathogenic.

Center for Genomic Medicine, Rigshospitalet, Copenhagen University Hospital
Classification: Likely oncogenic for Neoplasm. Last evaluated: 2025-12-29. Review status: criteria provided, single submitter. Criteria: ClinGen/CGC/VICC Guidelines for Oncogenicity, 2022. Collection method: clinical testing. Allele origin: somatic. Affected: yes.

Labcorp Genetics (formerly Invitae), Labcorp
Classification: Pathogenic for Weaver syndrome. Last evaluated: 2023-11-12. Review status: criteria provided, single submitter. Criteria: Invitae Variant Classification Sherloc (09022015). Collection method: clinical testing. Allele origin: germline.
Comment: This sequence change replaces glutamic acid, which is acidic and polar, with lysine, which is basic and polar, at codon 745 of the EZH2 protein (p.Glu745Lys). This variant is not present in population databases (gnomAD no frequency). This missense change has been observed in individual(s) with Weaver syndrome (PMID: 22190405, 23239504, 24214728, 29620724). In at least one individual the variant was observed to be de novo. ClinVar contains an entry for this variant (Variation ID: 65675). Advanced modeling of protein sequence and biophysical properties (such as structural, functional, and spatial information, amino acid conservation, physicochemical variation, residue mobility, and thermodynamic stability) performed at Invitae indicates that this missense variant is expected to disrupt EZH2 protein function with a positive predictive value of 95%. Experimental studies have shown that this missense change affects EZH2 function (PMID: 26694085). For these reasons, this variant has been classified as Pathogenic.

Genetic Services Laboratory, University of Chicago
Classification: Likely pathogenic. Last evaluated: 2023-04-11. Review status: criteria provided, single submitter. Criteria: ACMG Guidelines, 2015. Collection method: clinical testing. Allele origin: germline. Affected: yes.
Comment: DNA sequence analysis of the EZH2 gene demonstrated a sequence change, c.2233G>A, in exon 20 that results in an amino acid change, p.Glu745Lys. The p.Glu745Lys change affects a highly conserved amino acid residue located in a domain of the EZH2 protein that is not known to be functional. In-silico pathogenicity prediction tools (SIFT, PolyPhen2, Align GVGD, REVEL) provide contradictory results for the p.Glu745Lys substitution. This particular amino acid change has been previously described in the literature in at least two other individuals with clinical diagnosis of Weaver syndrome and one of them reportedly developed lymphoma (PMID: 23239504, 22190405) . This sequence change has not been described in population databases such as ExAC and gnomAD (dbSNP rs397515548). This sequence change likely pathogenic, however functional studies have not been performed to prove this conclusively.

Blueprint Genetics
Classification: Pathogenic for EZH2-related disorders. Last evaluated: 2022-10-05. Review status: criteria provided, single submitter. Criteria: ACMG Guidelines, 2015. Collection method: clinical testing. Allele origin: germline. Affected: yes. Observed: 3 variant alleles.

Juno Genomics, Hangzhou Juno Genomics, Inc
Classification: Pathogenic for Weaver syndrome. Review status: criteria provided, single submitter. Criteria: ACMG Guidelines, 2015. Collection method: clinical testing. Allele origin: germline. Affected: yes.
Comment: Absent from controls (or at extremely low frequency if recessive) in Genome Aggregation Database.;De novo (both maternity and paternity confirmed) in a patient with the disease and no family history.;The prevalence of the variant in affected individuals is significantly increased compared to the prevalence in controls.;Patient's phenotype or family history is highly specific for a disease with a single genetic etiology.;Multiple lines of computational evidence support a deleterious effect on the gene or gene product.;Missense variant in a gene that has a low rate of benign missense variation.

GeneReviews
No classification provided. Condition: Weaver syndrome. Review status: no classification provided. Collection method: literature only. Allele origin: germline. Not counted in ClinVar's aggregate classification.

Literature cited by the submitters: PubMed 26694085 (cited by Center for Genomic Medicine, Rigshospitalet, Copenhagen University Hospital and Labcorp Genetics (formerly Invitae), Labcorp); PubMed 22190405 (cited by Labcorp Genetics (formerly Invitae), Labcorp); PubMed 23239504 (cited by Labcorp Genetics (formerly Invitae), Labcorp); PubMed 24214728 (cited by Labcorp Genetics (formerly Invitae), Labcorp); PubMed 29620724 (cited by Labcorp Genetics (formerly Invitae), Labcorp).